The following is an entry in ClinVar:

NM_001256317.3(TMPRSS3):c.567T>G (p.Tyr189Ter)

Gene: TMPRSS3 (transmembrane serine protease 3; minus strand). Cytogenetic location: 21q22.3.
Variant type: single nucleotide variant.
Coding change: c.567T>G on transcript NM_001256317.3 (MANE Select); coding-DNA position 567, T replaced by G.
Protein change: p.Tyr189Ter; replaces tyrosine 189 with a stop codon.
Molecular consequence: nonsense.
Genome position (GRCh38, 1-based): chr21:42,385,414, A>C on the plus strand (T>G on the coding strand, the complement: TMPRSS3 is on the minus strand). VCF-style: chr21-42385414-A-C. GRCh37 (hg19) VCF-style: chr21-43805523-A-C.
Other names: c.567T>G, p.Tyr189Ter (NM_024022.4, NM_032405.2); c.186T>G, p.Tyr62Ter (NM_032404.3); short protein forms Y189*, Y62*.
Identifiers: ClinVar variation 2498898 (VCV002498898.28), dbSNP rs747054153, ClinGen allele CA10042590.

ClinVar aggregate classification (germline): Pathogenic (1 of 4 stars; one submission).

gnomAD v4.1: 8 of 1,613,932 alleles (0.0005%); highest among the groups gnomAD compares: Non-Finnish European, 0.00068%; no homozygotes.

Submission:

CeGaT Center for Human Genetics Tuebingen
Classification: Pathogenic. Last evaluated: 2024-03-01. Review status: criteria provided, single submitter. Criteria: CeGaT Center For Human Genetics Tuebingen Variant Classification Criteria Version 2. Collection method: clinical testing. Allele origin: germline. Affected: yes. Observed: 2 variant alleles.
Comment: TMPRSS3: PVS1, PM2